The following is an entry in ClinVar:

ClinVar aggregate classification (germline): Benign/Likely benign. Review status: criteria provided, multiple submitters, no conflicts (2 of 4 stars). 3 submissions from 3 submitters: Benign (1); Likely benign (2). Last evaluated 2025-03-12.

Conditions:
Gastrointestinal stromal tumor. Also called: Gastrointestinal stromal tumor, somatic; Gastrointestinal stroma tumor. Identifiers: Orphanet 44890, MedGen C0238198, MeSH D046152, MONDO:0011719, OMIM 606764, HP:0100723.
Pheochromocytoma/paraganglioma syndrome 4. Also called: SDHB-Related Hereditary Paraganglioma-Pheochromocytoma Syndrome (Paragangliomas 4); SDHB-Related Hereditary Paraganglioma-Pheochromocytoma Syndrome; CAROTID BODY TUMORS AND MULTIPLE EXTRAADRENAL PHEOCHROMOCYTOMAS; PARAGANGLIOMA, FAMILIAL MALIGNANT; PARAGANGLIOMAS, HEREDITARY EXTRAADRENAL; PHEOCHROMOCYTOMA, FAMILIAL EXTRAADRENAL. Identifiers: Orphanet 29072, MedGen C1861848, MONDO:0007273, OMIM 115310.
Pheochromocytoma. Also called: MAX-Related Hereditary Paraganglioma-Pheochromocytoma Syndrome. Identifiers: Orphanet 29072, MedGen C0031511, MONDO:0008233, OMIM 171300, HP:0002666.
Hereditary cancer-predisposing syndrome. Also called: Neoplastic Syndromes, Hereditary; Hereditary Cancer Syndrome; Hereditary neoplastic syndrome; Tumor predisposition. Identifiers: Orphanet 140162, MedGen C0027672, MeSH D009386, MONDO:0015356.

Allele frequency attached by ClinVar (database versions not stated): gnomAD exomes below 0.00001.
gnomAD v4.1: 4 of 1,614,178 alleles (0.00025%); highest among the groups gnomAD compares: Non-Finnish European, 0.00034%; no homozygotes.

Submissions (3):

Myriad Genetics, Inc.
Classification: Benign for Pheochromocytoma/paraganglioma syndrome 4. Last evaluated: 2025-03-12. Review status: criteria provided, single submitter. Criteria: Myriad Autosomal Dominant, Autosomal Recessive and X-Linked Classification Criteria (2023). Collection method: clinical testing. Allele origin: unknown.
Comment: This variant is considered benign. This variant is a silent/synonymous amino acid change and it is not expected to impact splicing.

Labcorp Genetics (formerly Invitae), Labcorp
Classification: Likely benign for Gastrointestinal stromal tumor; Pheochromocytoma/paraganglioma syndrome 4; Pheochromocytoma. Last evaluated: 2024-03-27. Review status: criteria provided, single submitter. Criteria: Invitae Variant Classification Sherloc (09022015). Collection method: clinical testing. Allele origin: germline.

Ambry Genetics
Classification: Likely benign for Hereditary cancer-predisposing syndrome. Last evaluated: 2023-04-22. Review status: criteria provided, single submitter. Criteria: Ambry Variant Classification Scheme 2023. Collection method: clinical testing. Allele origin: germline.

NM_003000.3(SDHB):c.417T>C (p.Leu139=)

Gene: SDHB (succinate dehydrogenase complex iron sulfur subunit B; minus strand). Cytogenetic location: 1p36.13.
Variant type: single nucleotide variant.
Coding change: c.417T>C on transcript NM_003000.3 (MANE Select); coding-DNA position 417, T replaced by C.
Protein change: p.Leu139=; no amino-acid change (leucine 139 retained).
Molecular consequence: synonymous variant.
Genome position (GRCh38, 1-based): chr1:17,028,606, A>G on the plus strand (T>C on the coding strand, the complement: SDHB is on the minus strand). VCF-style: chr1-17028606-A-G. GRCh37 (hg19) VCF-style: chr1-17355101-A-G.
Identifiers: ClinVar variation 699090 (VCV000699090.10), dbSNP rs1570948513, ClinGen allele CA416087461.